The following is an entry in ClinVar:

ClinVar aggregate classification (germline): Likely benign (1 of 4 stars; one submission).

Submission:

GeneDx
Classification: Likely benign. Last evaluated: 2016-05-18. Review status: criteria provided, single submitter. Criteria: GeneDx Variant Classification (06012015). Collection method: clinical testing. Allele origin: germline. Affected: yes.
Comment: This variant is considered likely benign or benign based on one or more of the following criteria: it is a conservative change, it occurs at a poorly conserved position in the protein, it is predicted to be benign by multiple in silico algorithms, and/or has population frequency not consistent with disease.

NM_025215.6(PUS1):c.441+3G>T

Genes: PUS1 (pseudouridine synthase 1; plus strand), LOC132090059 (Neanderthal introgressed variant-containing enhancer experimental_25941; plus strand). Cytogenetic location: 12q24.33.
Variant type: single nucleotide variant.
Coding change: c.441+3G>T on transcript NM_025215.6 (MANE Select); 3 bases into the intron after coding-DNA position 441, G replaced by T.
Molecular consequence: intron variant.
Genome position (GRCh38, 1-based): chr12:131,932,315, G>T. VCF-style: chr12-131932315-G-T. GRCh37 (hg19) VCF-style: chr12-132416860-G-T.
Other names: c.357+3G>T (NM_001002019.3, NM_001002020.3).
Identifiers: ClinVar variation 386071 (VCV000386071.1), dbSNP rs112532816, ClinGen allele CA16606394.